The following is an entry in ClinVar:

NM_000090.4(COL3A1):c.1978-25_1978-11del

Gene: COL3A1 (collagen type III alpha 1 chain; plus strand). Cytogenetic location: 2q32.2.
Variant type: Deletion.
Coding change: c.1978-25_1978-11del on transcript NM_000090.4 (MANE Select); 25 bases into the intron before coding-DNA position 1978 through 11 bases into the intron before coding-DNA position 1978, 15 bases deleted (TAATCATATAATGCC).
Molecular consequence: intron variant.
Genome position (GRCh38, 1-based): chr2:188,998,649-188,998,663, TAATCATATAATGCC deleted; deleting any 15 consecutive bases within chr2:188,998,646-188,998,663 gives the same sequence; the c. name uses the placement nearest the transcript's 3' end. VCF-style (leftmost placement, unchanged base first): chr2-188998645-GGCCTAATCATATAAT-G. GRCh37 (hg19) VCF-style: chr2-189863371-GGCCTAATCATATAAT-G.
Identifiers: ClinVar variation 1172287 (VCV001172287.2), dbSNP rs2153502936, ClinGen allele CA2499215533.

ClinVar aggregate classification (germline): Uncertain significance (1 of 4 stars; one submission).

Conditions:
Familial thoracic aortic aneurysm and aortic dissection (TAAD). Also called: Thoracic aortic aneurysms and dissections. Identifiers: Orphanet 91387, MedGen C4707243, MONDO:0019625.

Submission:

Color Diagnostics, LLC DBA Color Health
Classification: Uncertain significance for Familial thoracic aortic aneurysm and aortic dissection. Last evaluated: 2021-02-18. Review status: criteria provided, single submitter. Criteria: ACMG Guidelines, 2015. Collection method: clinical testing. Allele origin: germline.
Comment: This variant causes a deletion of 15 nucleotides in intron 28 of the COL3A1 gene. Splice site prediction tools are inconclusive regarding the impact of this variant on RNA splicing. To our knowledge, functional studies have not been reported for this variant. This variant has not been reported in individuals affected with cardiovascular disorders in the literature. This variant has not been identified in the general population by the Genome Aggregation Database (gnomAD). The available evidence is insufficient to determine the role of this variant in disease conclusively. Therefore, this variant is classified as a Variant of Uncertain Significance.